The following is an entry in ClinVar:

ClinVar aggregate classification (germline): Likely pathogenic (1 of 4 stars; one submission).

Conditions:
Cleidocranial dysostosis (CLCD1). Also called: Marie-Sainton disease; Cleidocranial Dysplasia Spectrum Disorder; cleidocranial dysplasia 1. Identifiers: Orphanet 1452, MedGen C0008928, MONDO:0007340, OMIM 119600.

Submission:

Institute of Human Genetics, University of Goettingen
Classification: Likely pathogenic for Cleidocranial dysostosis. Last evaluated: 2025-01-02. Review status: criteria provided, single submitter. Criteria: ACMG Guidelines, 2015. Collection method: clinical testing. Allele origin: germline. Inheritance: Autosomal dominant inheritance. Affected: yes. Observed: 1 heterozygote.
Comment: PVS1: frameshift variant in a gene with lof pathomechanism PM2:Extremely low frequency in gnomAD population databases

NM_001024630.4(RUNX2):c.191_221del (p.Gln64fs)

Genes: RUNX2 (RUNX family transcription factor 2; plus strand), LOC109611589 (runt related transcription factor 2 polyalanine expansion region; plus strand). Cytogenetic location: 6p21.1.
Variant type: Deletion.
Coding change: c.191_221del on transcript NM_001024630.4 (MANE Select); coding-DNA positions 191 to 221, 31 bases deleted.
Protein change: p.Gln64fs; shifts the reading frame from glutamine 64.
Molecular consequence: frameshift variant.
Genome position (GRCh38, 1-based): chr6:45,422,725-45,422,755, 31 bases deleted; deleting any 31 consecutive bases within chr6:45,422,723-45,422,755 gives the same sequence; the c. name uses the placement nearest the transcript's 3' end. GRCh37 (hg19): chr6:45,390,462-45,390,492.
Other names: c.191_221del, p.Gln64fs (NM_001015051.4); c.149_179del, p.Gln50fs (NM_001278478.2, NM_001369405.1); short protein forms Q50fs, Q64fs.
Identifiers: ClinVar variation 3393350 (VCV003393350.1).